The following is an entry in ClinVar:

ClinVar aggregate classification (germline): Uncertain significance. Review status: criteria provided, multiple submitters, no conflicts (2 of 4 stars). 4 submissions from 3 submitters: Uncertain significance (4). Last evaluated 2023-02-08.

Conditions:
Inborn genetic diseases. Identifiers: MedGen C0950123, MeSH D030342.
Familial cutaneous telangiectasia and oropharyngeal predisposition cancer syndrome. Identifiers: Orphanet 313846, MedGen C3281203, MONDO:0013806, OMIM 614564.
Seckel syndrome 1 (SCKL1). Also called: MICROCEPHALIC PRIMORDIAL DWARFISM I. Identifiers: Orphanet 808, MedGen C4551474, MONDO:0008869, OMIM 210600.

gnomAD v4.1: 2 of 1,612,652 alleles (0.00012%); highest among the groups gnomAD compares: East Asian, 0.0022%; no homozygotes.

Submissions (4):

Genome-Nilou Lab
Classification: Uncertain significance for Seckel syndrome 1. Last evaluated: 2023-02-08. Review status: criteria provided, single submitter. Criteria: ACMG Guidelines, 2015. Collection method: clinical testing. Allele origin: germline.

Genome-Nilou Lab
Classification: Uncertain significance for Familial cutaneous telangiectasia and oropharyngeal predisposition cancer syndrome. Last evaluated: 2023-02-08. Review status: criteria provided, single submitter. Criteria: ACMG Guidelines, 2015. Collection method: clinical testing. Allele origin: germline.

Ambry Genetics
Classification: Uncertain significance for Inborn genetic diseases. Last evaluated: 2022-09-13. Review status: criteria provided, single submitter. Criteria: Ambry Variant Classification Scheme 2023. Collection method: clinical testing. Allele origin: germline.
Comment: The p.N1911K variant (also known as c.5733C>A), located in coding exon 33 of the ATR gene, results from a C to A substitution at nucleotide position 5733. The asparagine at codon 1911 is replaced by lysine, an amino acid with similar properties. This amino acid position is conserved. In addition, this alteration is predicted to be tolerated by in silico analysis. Since supporting evidence is limited at this time, the clinical significance of this alteration remains unclear.

Labcorp Genetics (formerly Invitae), Labcorp
Classification: Uncertain significance. Last evaluated: 2022-07-19. Review status: criteria provided, single submitter. Criteria: Invitae Variant Classification Sherloc (09022015). Collection method: clinical testing. Allele origin: germline.
Comment: This variant is not present in population databases (gnomAD no frequency). This sequence change replaces asparagine, which is neutral and polar, with lysine, which is basic and polar, at codon 1911 of the ATR protein (p.Asn1911Lys). This variant has not been reported in the literature in individuals affected with ATR-related conditions. In summary, the available evidence is currently insufficient to determine the role of this variant in disease. Therefore, it has been classified as a Variant of Uncertain Significance. Algorithms developed to predict the effect of missense changes on protein structure and function output the following: SIFT: "Tolerated"; PolyPhen-2: "Benign"; Align-GVGD: "Class C0". The lysine amino acid residue is found in multiple mammalian species, which suggests that this missense change does not adversely affect protein function. ClinVar contains an entry for this variant (Variation ID: 1426370).

NM_001184.4(ATR):c.5733C>A (p.Asn1911Lys)

Gene: ATR (ATR checkpoint kinase; minus strand). Cytogenetic location: 3q23.
Variant type: single nucleotide variant.
Coding change: c.5733C>A on transcript NM_001184.4 (MANE Select); coding-DNA position 5733, C replaced by A.
Protein change: p.Asn1911Lys; replaces asparagine 1911 with lysine.
Molecular consequence: missense variant.
Genome position (GRCh38, 1-based): chr3:142,497,018, G>T on the plus strand (C>A on the coding strand, the complement: ATR is on the minus strand). VCF-style: chr3-142497018-G-T. GRCh37 (hg19) VCF-style: chr3-142215860-G-T.
Other names: c.5541C>A, p.Asn1847Lys (NM_001354579.2); short protein forms N1847K, N1911K.
Identifiers: ClinVar variation 1426370 (VCV001426370.10), dbSNP rs766428193, ClinGen allele CA354814317.